The following is an entry in ClinVar:

NM_004380.3(CREBBP):c.6465T>G (p.Pro2155=)

Gene: CREBBP (CREB binding lysine acetyltransferase; minus strand). Cytogenetic location: 16p13.3.
Variant type: single nucleotide variant.
Coding change: c.6465T>G on transcript NM_004380.3 (MANE Select); coding-DNA position 6465, T replaced by G.
Protein change: p.Pro2155=; no amino-acid change (proline 2155 retained).
Molecular consequence: synonymous variant.
Genome position (GRCh38, 1-based): chr16:3,728,582, A>C on the plus strand (T>G on the coding strand, the complement: CREBBP is on the minus strand). VCF-style: chr16-3728582-A-C. GRCh37 (hg19) VCF-style: chr16-3778583-A-C.
Other names: c.6351T>G, p.Pro2117= (NM_001079846.1).
Identifiers: ClinVar variation 1335204 (VCV001335204.42), dbSNP rs746868061, ClinGen allele CA7869099.
Genomic context (GRCh38, chr16:3,728,582, plus strand): 5'-GTTCATGATGTTCAAGGCCTGGCCCTGGGGGTTCAGGCCTCCCATCGCCTGCTGCTGTGG[A>C]GGCACACCGGGCCGCGGCACGCCAGCCTGCATGGCATTCAGGTTCTGCAGGCTGGGCTGC-3'
Protein context (NP_004371.2, residues 2145-2165): MQAGVPRPGV[Pro2155=]PQQQAMGGLN

ClinVar aggregate classification (germline): Likely benign. Review status: criteria provided, multiple submitters, no conflicts (2 of 4 stars). 4 submissions from 4 submitters: Likely benign (4). Last evaluated 2026-08-01.

Conditions:
Rubinstein-Taybi syndrome (RSTS). Identifiers: Orphanet 783, MedGen C0035934, MONDO:0019188.
Inborn genetic diseases. Identifiers: MedGen C0950123, MeSH D030342.

Allele frequency attached by ClinVar (database versions not stated): ExAC 0.00001; gnomAD 0.00003 and 0.00007; TOPMed 0.00017.
gnomAD v4.1: 41 of 1,613,478 alleles (0.0025%); highest among the groups gnomAD compares: Middle Eastern, 0.049%; no homozygotes.

Submissions (4):

CeGaT Center for Human Genetics Tuebingen
Classification: Likely benign. Last evaluated: 2026-08-01. Review status: criteria provided, single submitter. Criteria: CeGaT Center For Human Genetics Tuebingen Variant Classification Criteria Version 2. Collection method: clinical testing. Allele origin: germline. Affected: yes. Observed: 2 variant alleles.
Comment: CREBBP: BP4, BP7

Blueprint Genetics
Classification: Likely benign. Last evaluated: 2024-11-04. Review status: criteria provided, single submitter. Criteria: ACMG Guidelines, 2015. Collection method: clinical testing. Allele origin: germline.

Labcorp Genetics (formerly Invitae), Labcorp
Classification: Likely benign for Rubinstein-Taybi syndrome. Last evaluated: 2024-10-30. Review status: criteria provided, single submitter. Criteria: Invitae Variant Classification Sherloc (09022015). Collection method: clinical testing. Allele origin: germline.

Ambry Genetics
Classification: Likely benign for Inborn genetic diseases. Last evaluated: 2018-09-15. Review status: criteria provided, single submitter. Criteria: Ambry Variant Classification Scheme 2023. Collection method: clinical testing. Allele origin: germline.